The following is an entry in ClinVar:

NM_001130987.2(DYSF):c.240-289G>A

Gene: DYSF (dysferlin; plus strand). Cytogenetic location: 2p13.2.
Variant type: single nucleotide variant.
Coding change: c.240-289G>A on transcript NM_001130987.2 (MANE Select); 289 bases into the intron before coding-DNA position 240, G replaced by A.
Molecular consequence: intron variant.
Genome position (GRCh38, 1-based): chr2:71,502,925, G>A. VCF-style: chr2-71502925-G-A. GRCh37 (hg19) VCF-style: chr2-71730055-G-A.
Other names: c.237-289G>A (NM_001130979.2, NM_001130981.2, NM_001130980.2 and 4 more transcripts); c.240-289G>A (NM_001130982.2, NM_001130985.2, NM_001130983.2 and 3 more transcripts).
Identifiers: ClinVar variation 668890 (VCV000668890.1), dbSNP rs12713753, ClinGen allele CA15200332.

ClinVar aggregate classification (germline): Benign (1 of 4 stars; one submission).

Allele frequency attached by ClinVar (database versions not stated): 1000 Genomes Project 0.38798; 1000 Genomes Project 30x 0.39350; TOPMed 0.51796; gnomAD 0.52015 and 0.52797.
gnomAD v4.1: 79,120 of 151,894 alleles (52%); highest among the groups gnomAD compares: Non-Finnish European, 61%; 21,809 homozygotes.

Submission:

GeneDx
Classification: Benign. Last evaluated: 2018-06-18. Review status: criteria provided, single submitter. Criteria: GeneDx Variant Classification (06012015). Collection method: clinical testing. Allele origin: germline. Affected: yes.
Comment: This variant is considered likely benign or benign based on one or more of the following criteria: it is a conservative change, it occurs at a poorly conserved position in the protein, it is predicted to be benign by multiple in silico algorithms, and/or has population frequency not consistent with disease.